The following is an entry in ClinVar:

NM_000051.4(ATM):c.9021A>C (p.Glu3007Asp)

Genes: ATM (ATM serine/threonine kinase; plus strand), C11orf65 (chromosome 11 open reading frame 65; minus strand). Cytogenetic location: 11q22.3.
Variant type: single nucleotide variant.
Coding change: c.9021A>C on transcript NM_000051.4 (MANE Select); coding-DNA position 9021, A replaced by C.
Protein change: p.Glu3007Asp; replaces glutamic acid 3007 with aspartic acid.
Molecular consequence: missense variant. On other transcripts: intron variant (2).
Genome position (GRCh38, 1-based): chr11:108,365,358, A>C. VCF-style: chr11-108365358-A-C. GRCh37 (hg19) VCF-style: chr11-108236085-A-C.
Other names: c.9021A>C, p.Glu3007Asp (NM_001351834.2); c.640+20562T>G (NM_001330368.2); c.694+20562T>G (NM_001351110.2); short protein forms E3007D.
Identifiers: ClinVar variation 568569 (VCV000568569.15), dbSNP rs1565608897, ClinGen allele CA382531107.

ClinVar aggregate classification (germline): Uncertain significance. Review status: criteria provided, multiple submitters, no conflicts (2 of 4 stars). 3 submissions from 3 submitters: Uncertain significance (3). Last evaluated 2025-03-20.

Conditions:
Hereditary cancer-predisposing syndrome. Also called: Hereditary Cancer Syndrome; Neoplastic Syndromes, Hereditary; Tumor predisposition; Hereditary neoplastic syndrome. Identifiers: Orphanet 140162, MedGen C0027672, MeSH D009386, MONDO:0015356.
Familial cancer of breast. Also called: BREAST CANCER, FAMILIAL; Hereditary breast cancer; hereditary breast carcinoma. Identifiers: Orphanet 227535, MedGen C0346153, MONDO:0016419, OMIM 114480. Disease mechanism: loss of function.
Ataxia-telangiectasia syndrome (AT). Also called: Cerebello-oculocutaneous telangiectasia; Immunodeficiency with ataxia telangiectasia; Ataxia-telangiectasia, complementation group E; Ataxia-telangiectasia, complementation group D; AT, COMPLEMENTATION GROUP C; ATAXIA-TELANGIECTASIA, COMPLEMENTATION GROUP A. Identifiers: Orphanet 100, MedGen C0004135, MONDO:0008840, OMIM 208900.

Submissions (3):

Ambry Genetics
Classification: Uncertain significance for Hereditary cancer-predisposing syndrome. Last evaluated: 2025-03-20. Review status: criteria provided, single submitter. Criteria: Ambry Variant Classification Scheme 2023. Collection method: clinical testing. Allele origin: germline.
Comment: The p.E3007D variant (also known as c.9021A>C), located in coding exon 62 of the ATM gene, results from an A to C substitution at nucleotide position 9021. The glutamic acid at codon 3007 is replaced by aspartic acid, an amino acid with highly similar properties. This amino acid position is highly conserved in available vertebrate species. In addition, this alteration is predicted to be tolerated by in silico analysis. Based on the available evidence, the clinical significance of this variant remains unclear.

Labcorp Genetics (formerly Invitae), Labcorp
Classification: Uncertain significance for Ataxia-telangiectasia syndrome. Last evaluated: 2019-11-28. Review status: criteria provided, single submitter. Criteria: Invitae Variant Classification Sherloc (09022015). Collection method: clinical testing. Allele origin: germline.
Comment: In summary, the available evidence is currently insufficient to determine the role of this variant in disease. Therefore, it has been classified as a Variant of Uncertain Significance. Algorithms developed to predict the effect of missense changes on protein structure and function are either unavailable or do not agree on the potential impact of this missense change (SIFT: "Tolerated"; PolyPhen-2: "Probably Damaging"; Align-GVGD: "Class C0"). This variant has not been reported in the literature in individuals with ATM-related disease. This variant is not present in population databases (ExAC no frequency). This sequence change replaces glutamic acid with aspartic acid at codon 3007 of the ATM protein (p.Glu3007Asp). The glutamic acid residue is highly conserved and there is a small physicochemical difference between glutamic acid and aspartic acid.

Institute of Human Genetics, University of Leipzig Medical Center
Classification: Uncertain significance for Familial cancer of breast. Last evaluated: 2018-12-06. Review status: criteria provided, single submitter. Criteria: ACMG Guidelines, 2015. Collection method: clinical testing. Allele origin: germline. Affected: yes. Observed: 1 variant allele.